The following is an entry in ClinVar:

NM_001876.4(CPT1A):c.530C>T (p.Pro177Leu)

Gene: CPT1A (carnitine palmitoyltransferase 1A; minus strand). Cytogenetic location: 11q13.3.
Variant type: single nucleotide variant.
Coding change: c.530C>T on transcript NM_001876.4 (MANE Select); coding-DNA position 530, C replaced by T.
Protein change: p.Pro177Leu; replaces proline 177 with leucine.
Molecular consequence: missense variant.
Genome position (GRCh38, 1-based): chr11:68,804,025, G>A on the plus strand (C>T on the coding strand, the complement: CPT1A is on the minus strand). VCF-style: chr11-68804025-G-A. GRCh37 (hg19) VCF-style: chr11-68571493-G-A.
Other names: c.530C>T, p.Pro177Leu (NM_001031847.3); short protein forms P177L.
Identifiers: ClinVar variation 2200276 (VCV002200276.3), dbSNP rs1855977777, ClinGen allele CA381635995.

ClinVar aggregate classification (germline): Uncertain significance (1 of 4 stars; one submission).

Conditions:
Carnitine palmitoyl transferase 1A deficiency. Also called: Carnitine palmitoyltransferase type I deficiency; CPT I DEFICIENCY; CPT DEFICIENCY, HEPATIC, TYPE I; Carnitine palmitoyltransferase 1A deficiency; CPT deficiency, hepatic, type IA. Identifiers: Orphanet 156, MedGen C1829703, MONDO:0009705, OMIM 255120.

Allele frequency attached by ClinVar (database versions not stated): gnomAD exomes below 0.00001; TOPMed below 0.00001.
gnomAD v4.1: 3 of 1,613,996 alleles (0.00019%); highest among the groups gnomAD compares: Non-Finnish European, 0.00025%; no homozygotes.

Submission:

Labcorp Genetics (formerly Invitae), Labcorp
Classification: Uncertain significance for Carnitine palmitoyl transferase 1A deficiency. Last evaluated: 2024-02-17. Review status: criteria provided, single submitter. Criteria: Invitae Variant Classification Sherloc (09022015). Collection method: clinical testing. Allele origin: germline.
Comment: This sequence change replaces proline, which is neutral and non-polar, with leucine, which is neutral and non-polar, at codon 177 of the CPT1A protein (p.Pro177Leu). This variant is not present in population databases (gnomAD no frequency). This variant has not been reported in the literature in individuals affected with CPT1A-related conditions. ClinVar contains an entry for this variant (Variation ID: 2200276). Advanced modeling of protein sequence and biophysical properties (such as structural, functional, and spatial information, amino acid conservation, physicochemical variation, residue mobility, and thermodynamic stability) has been performed at Invitae for this missense variant, however the output from this modeling did not meet the statistical confidence thresholds required to predict the impact of this variant on CPT1A protein function. In summary, the available evidence is currently insufficient to determine the role of this variant in disease. Therefore, it has been classified as a Variant of Uncertain Significance.